The following is an entry in ClinVar:

NM_001370259.2(MEN1):c.124G>C (p.Gly42Arg)

Gene: MEN1 (menin 1; minus strand). Cytogenetic location: 11q13.1.
Variant type: single nucleotide variant.
Coding change: c.124G>C on transcript NM_001370259.2 (MANE Select); coding-DNA position 124, G replaced by C.
Protein change: p.Gly42Arg; replaces glycine 42 with arginine.
Molecular consequence: missense variant.
Genome position (GRCh38, 1-based): chr11:64,809,986, C>G on the plus strand (G>C on the coding strand, the complement: MEN1 is on the minus strand). VCF-style: chr11-64809986-C-G. GRCh37 (hg19) VCF-style: chr11-64577458-C-G.
Other names: c.124G>C, p.Gly42Arg (NM_000244.4, NM_001370251.2, NM_001370260.2 and 20 more transcripts); short protein forms G42R.
Identifiers: ClinVar variation 1760430 (VCV001760430.2), dbSNP rs1942013583, ClinGen allele CA381187888.

ClinVar aggregate classification (germline): Likely pathogenic (1 of 4 stars; one submission).

Conditions:
Hereditary cancer-predisposing syndrome. Also called: Neoplastic Syndromes, Hereditary; Tumor predisposition; Hereditary Cancer Syndrome; Hereditary neoplastic syndrome. Identifiers: Orphanet 140162, MedGen C0027672, MeSH D009386, MONDO:0015356.

Submission:

Ambry Genetics
Classification: Likely pathogenic for Hereditary cancer-predisposing syndrome. Last evaluated: 2021-11-24. Review status: criteria provided, single submitter. Criteria: Ambry Variant Classification Scheme 2023. Collection method: clinical testing. Allele origin: germline.
Comment: The p.G42R variant (also known as c.124G>C), located in coding exon 1 of the MEN1 gene, results from a G to C substitution at nucleotide position 124. The glycine at codon 42 is replaced by arginine, an amino acid with dissimilar properties. This alteration has been observed in at least one individual with a personal and/or family history that is consistent with MEN1-related disease (Ambry internal data). Based on internal structural analysis, G42R is highly destabilizing to the local structure and more disruptive than known pathogenic variants in the region (Ambry internal data). This variant is considered to be rare based on population cohorts in the Genome Aggregation Database (gnomAD). This amino acid position is highly conserved in available vertebrate species. In addition, this alteration is predicted to be deleterious by in silico analysis. Based on the majority of available evidence to date, this variant is likely to be pathogenic.